The following is an entry in ClinVar:

ClinVar aggregate classification (germline): Likely benign. Review status: criteria provided, multiple submitters, no conflicts (2 of 4 stars). 3 submissions from 3 submitters: Likely benign (3). Last evaluated 2025-03-27.

Conditions:
EFEMP1-related disorder. Also called: EFEMP1-related condition.

Allele frequency attached by ClinVar (database versions not stated): ExAC 0.00001; gnomAD 0.00001; gnomAD exomes 0.00001 and 0.00002; TOPMed 0.00003; 1000 Genomes Project 30x 0.00016; 1000 Genomes Project 0.00020.
gnomAD v4.1: 8 of 1,613,736 alleles (0.0005%); highest among the groups gnomAD compares: Admixed American, 0.012%; no homozygotes.

Submissions (3):

PreventionGenetics, part of Exact Sciences
Classification: Likely benign for EFEMP1-related condition. Last evaluated: 2025-03-27. Review status: criteria provided, single submitter. Criteria: ACMG Guidelines, 2015. Collection method: clinical testing. Allele origin: germline.
Comment: This variant is classified as likely benign based on ACMG/AMP sequence variant interpretation guidelines (Richards et al. 2015 PMID: 25741868, with internal and published modifications).

Labcorp Genetics (formerly Invitae), Labcorp
Classification: Likely benign. Last evaluated: 2024-11-18. Review status: criteria provided, single submitter. Criteria: Invitae Variant Classification Sherloc (09022015). Collection method: clinical testing. Allele origin: germline.

Blueprint Genetics
Classification: Likely benign. Last evaluated: 2024-02-09. Review status: criteria provided, single submitter. Criteria: ACMG Guidelines, 2015. Collection method: clinical testing. Allele origin: germline.

NM_001039348.3(EFEMP1):c.12C>T (p.Ala4=)

Gene: EFEMP1 (EGF-like fibulin extracellular matrix protein 1; minus strand). Cytogenetic location: 2p16.1.
Variant type: single nucleotide variant.
Coding change: c.12C>T on transcript NM_001039348.3 (MANE Select); coding-DNA position 12, C replaced by T.
Protein change: p.Ala4=; no amino-acid change (alanine 4 retained).
Molecular consequence: synonymous variant.
Genome position (GRCh38, 1-based): chr2:55,922,429, G>A on the plus strand (C>T on the coding strand, the complement: EFEMP1 is on the minus strand). VCF-style: chr2-55922429-G-A. GRCh37 (hg19) VCF-style: chr2-56149564-G-A.
Other names: c.12C>T, p.Ala4= (NM_001039349.3); c.12C>T (NM_001039348.2).
Identifiers: ClinVar variation 1591647 (VCV001591647.11), dbSNP rs539120761, ClinGen allele CA1669047.